The following is an entry in ClinVar:

ClinVar aggregate classification (germline): Uncertain significance (1 of 4 stars; one submission).

Conditions:
LAMA2-related muscular dystrophy (LAMA2-RD). Also called: Laminin alpha 2-related dystrophy. Identifiers: MedGen C5679788, MONDO:0100228.

Submission:

Labcorp Genetics (formerly Invitae), Labcorp
Classification: Uncertain significance for LAMA2-related muscular dystrophy. Last evaluated: 2018-03-24. Review status: criteria provided, single submitter. Criteria: Invitae Variant Classification Sherloc (09022015). Collection method: clinical testing. Allele origin: germline.
Comment: In summary, the available evidence is currently insufficient to determine the role of this variant in disease. Therefore, it has been classified as a Variant of Uncertain Significance. Algorithms developed to predict the effect of missense changes on protein structure and function do not agree on the potential impact of this missense change (SIFT: "Deleterious"; PolyPhen-2: "Probably Damaging"; Align-GVGD: "Class C0"). This variant has not been reported in the literature in individuals with LAMA2-related disease. This variant is not present in population databases (ExAC no frequency). This sequence change replaces lysine with threonine at codon 2190 of the LAMA2 protein (p.Lys2190Thr). The lysine residue is moderately conserved and there is a moderate physicochemical difference between lysine and threonine.

NM_000426.4(LAMA2):c.6569A>C (p.Lys2190Thr)

Gene: LAMA2 (laminin subunit alpha 2; plus strand). Cytogenetic location: 6q22.33.
Variant type: single nucleotide variant.
Coding change: c.6569A>C on transcript NM_000426.4 (MANE Select); coding-DNA position 6569, A replaced by C.
Protein change: p.Lys2190Thr; replaces lysine 2190 with threonine.
Molecular consequence: missense variant.
Genome position (GRCh38, 1-based): chr6:129,453,127, A>C. VCF-style: chr6-129453127-A-C. GRCh37 (hg19) VCF-style: chr6-129774272-A-C.
Other names: c.6569A>C, p.Lys2190Thr (NM_001079823.2); short protein forms K2190T.
Identifiers: ClinVar variation 583192 (VCV000583192.8), dbSNP rs1562577830, ClinGen allele CA365616789.